The following is an entry in ClinVar:

NM_006158.5(NEFL):c.330G>C (p.Glu110Asp)

Gene: NEFL (neurofilament light chain; minus strand). Cytogenetic location: 8p21.2.
Variant type: single nucleotide variant.
Coding change: c.330G>C on transcript NM_006158.5 (MANE Select); coding-DNA position 330, G replaced by C.
Protein change: p.Glu110Asp; replaces glutamic acid 110 with aspartic acid.
Molecular consequence: missense variant.
Genome position (GRCh38, 1-based): chr8:24,956,186, C>G on the plus strand (G>C on the coding strand, the complement: NEFL is on the minus strand). VCF-style: chr8-24956186-C-G. GRCh37 (hg19) VCF-style: chr8-24813700-C-G.
Other names: short protein forms E110D.
Identifiers: ClinVar variation 1730069 (VCV001730069.2), dbSNP rs563735622, ClinGen allele CA174061409.

ClinVar aggregate classification (germline): Uncertain significance (1 of 4 stars; one submission).

Conditions:
Inborn genetic diseases. Identifiers: MedGen C0950123, MeSH D030342.

Allele frequency attached by ClinVar (database versions not stated): 1000 Genomes Project 30x 0.00016; 1000 Genomes Project 0.00020.

Submission:

Ambry Genetics
Classification: Uncertain significance for Inborn genetic diseases. Last evaluated: 2021-02-26. Review status: criteria provided, single submitter. Criteria: Ambry Variant Classification Scheme 2023. Collection method: clinical testing. Allele origin: germline.
Comment: The p.E110D variant (also known as c.330G>C), located in coding exon 1 of the NEFL gene, results from a G to C substitution at nucleotide position 330. The glutamic acid at codon 110 is replaced by aspartic acid, an amino acid with highly similar properties. This amino acid position is not well conserved in available vertebrate species. In addition, this alteration is predicted to be tolerated by in silico analysis. Since supporting evidence is limited at this time, the clinical significance of this alteration remains unclear.